The following is an entry in ClinVar:

NM_004621.6(TRPC6):c.1930G>C (p.Val644Leu)

Gene: TRPC6 (transient receptor potential cation channel subfamily C member 6; minus strand). Cytogenetic location: 11q22.1.
Variant type: single nucleotide variant.
Coding change: c.1930G>C on transcript NM_004621.6 (MANE Select); coding-DNA position 1930, G replaced by C.
Protein change: p.Val644Leu; replaces valine 644 with leucine.
Molecular consequence: missense variant.
Genome position (GRCh38, 1-based): chr11:101,473,588, C>G on the plus strand (G>C on the coding strand, the complement: TRPC6 is on the minus strand). VCF-style: chr11-101473588-C-G. GRCh37 (hg19) VCF-style: chr11-101344319-C-G.
Other names: short protein forms V644L.
Identifiers: ClinVar variation 977115 (VCV000977115.2), dbSNP rs1859343311, ClinGen allele CA382440131.

ClinVar aggregate classification (germline): drug response (0 of 4 stars; one submission).

Conditions:
Corticosteroids response. Also called: Corticosteroid response.

Submission:

Genetic Testing Lab, Ashok and Rita Patel Institute of Integrated Study and Research in Biotechnology and Allied Sciences
Classification: drug response for Corticosteroid response. Last evaluated: 2020-01-12. Review status: no assertion criteria provided. Collection method: research. Allele origin: somatic. Affected: yes. Observed: 27 variant alleles.
Comment: Depending upon patients response to standard corticosteroids therapy, they were classified to be either Steroid resistance(SRNS) or steroid sensitive(SSNS)